The following is an entry in ClinVar:

ClinVar aggregate classification (germline): Likely benign (1 of 4 stars; one submission).

Allele frequency attached by ClinVar (database versions not stated): ESP Exome Variant Server 0.00015; gnomAD exomes 0.00017; gnomAD 0.00019; TOPMed 0.00019; ExAC 0.00027.
gnomAD v4.1: 272 of 1,613,206 alleles (0.017%); highest among the groups gnomAD compares: Non-Finnish European, 0.021%; no homozygotes.

Submission:

CeGaT Center for Human Genetics Tuebingen
Classification: Likely benign. Last evaluated: 2026-08-01. Review status: criteria provided, single submitter. Criteria: CeGaT Center For Human Genetics Tuebingen Variant Classification Criteria Version 2. Collection method: clinical testing. Allele origin: germline. Affected: yes. Observed: 5 variant alleles.
Comment: DHCR7: BP4, BP7

NM_001360.3(DHCR7):c.963+30G>A

Gene: DHCR7 (7-dehydrocholesterol reductase; minus strand). Cytogenetic location: 11q13.4.
Variant type: single nucleotide variant.
Coding change: c.963+30G>A on transcript NM_001360.3 (MANE Select); 30 bases into the intron after coding-DNA position 963, G replaced by A.
Molecular consequence: intron variant.
Genome position (GRCh38, 1-based): chr11:71,437,782, C>T on the plus strand (G>A on the coding strand, the complement: DHCR7 is on the minus strand). VCF-style: chr11-71437782-C-T. GRCh37 (hg19) VCF-style: chr11-71148828-C-T.
Other names: c.963+30G>A (NM_001163817.2).
Identifiers: ClinVar variation 3025192 (VCV003025192.22), dbSNP rs376037564, ClinGen allele CA6162384.
Genomic context (GRCh38, chr11:71,437,782, plus strand): 5'-GTGCCCCCAAGGACAGACGCTTCTGCAAGGAGAAAGCTTAGCATGTGTCTGCCAAATGCC[C>T]CGCTGGGCCAGCTCTGCCCACCTCCTCACCTGCAGCGTGTAAAGATAAGGCAGCCAGACA-3'